The following is an entry in ClinVar:

NM_001572.5(IRF7):c.848-1G>C

Gene: IRF7 (interferon regulatory factor 7; minus strand). Cytogenetic location: 11p15.5.
Variant type: single nucleotide variant.
Coding change: c.848-1G>C on transcript NM_001572.5 (MANE Select); the canonical splice acceptor site of the intron before coding-DNA position 848, G replaced by C.
Molecular consequence: splice acceptor variant.
Genome position (GRCh38, 1-based): chr11:613,596, C>G on the plus strand (G>C on the coding strand, the complement: IRF7 is on the minus strand). VCF-style: chr11-613596-C-G. GRCh37 (hg19) VCF-style: chr11-613596-C-G.
Other names: c.761-1G>C (NM_004029.4); c.887-1G>C (NM_004031.4).
Identifiers: ClinVar variation 3007400 (VCV003007400.4), dbSNP rs929200469, ClinGen allele CA5783655.

ClinVar aggregate classification (germline): Uncertain significance. Review status: criteria provided, multiple submitters, no conflicts (2 of 4 stars). 2 submissions from 2 submitters: Uncertain significance (2). Last evaluated 2024-08-11.

Conditions:
Immunodeficiency 39 (IMD39). Identifiers: Orphanet 574918, MedGen C4225358, MONDO:0014597, OMIM 616345.

Allele frequency attached by ClinVar (database versions not stated): ExAC 0.00001; gnomAD exomes 0.00005.

Submissions (2):

Labcorp Genetics (formerly Invitae), Labcorp
Classification: Uncertain significance for Immunodeficiency 39. Last evaluated: 2024-08-11. Review status: criteria provided, single submitter. Criteria: Invitae Variant Classification Sherloc (09022015). Collection method: clinical testing. Allele origin: germline.
Comment: This sequence change affects an acceptor splice site in intron 6 of the IRF7 gene. It is expected to disrupt RNA splicing. Variants that disrupt the donor or acceptor splice site typically lead to a loss of protein function (PMID: 16199547), however the current clinical and genetic evidence is not sufficient to establish whether loss-of-function variants in IRF7 cause disease. This variant is present in population databases (no rsID available, gnomAD 0.001%). This variant has not been reported in the literature in individuals affected with IRF7-related conditions. Algorithms developed to predict the effect of sequence changes on RNA splicing suggest that this variant may disrupt the consensus splice site. In summary, the available evidence is currently insufficient to determine the role of this variant in disease. Therefore, it has been classified as a Variant of Uncertain Significance.

Blueprint Genetics
Classification: Uncertain significance. Last evaluated: 2024-05-07. Review status: criteria provided, single submitter. Criteria: ACMG Guidelines, 2015. Collection method: clinical testing. Allele origin: germline.

Literature cited by the submitters: PubMed 16199547 (cited by Labcorp Genetics (formerly Invitae), Labcorp).